The following is an entry in ClinVar:

NM_003334.4(UBA1):c.2754G>C (p.Gln918His)

Gene: UBA1 (ubiquitin like modifier activating enzyme 1; plus strand). Cytogenetic location: Xp11.3.
Variant type: single nucleotide variant.
Coding change: c.2754G>C on transcript NM_003334.4 (MANE Select); coding-DNA position 2754, G replaced by C.
Protein change: p.Gln918His; replaces glutamine 918 with histidine.
Molecular consequence: missense variant.
Genome position (GRCh38, 1-based): chrX:47,213,097, G>C. VCF-style: chrX-47213097-G-C. GRCh37 (hg19) VCF-style: chrX-47072496-G-C.
Other names: c.2754G>C, p.Gln918His (NM_153280.3); short protein forms Q918H.
Identifiers: ClinVar variation 1432498 (VCV001432498.8), dbSNP rs782576505, ClinGen allele CA10396191.
Genomic context (GRCh38, chrX:47,213,097, plus strand): 5'-AGCAGCCGTGGTTGGCCTTGTGTGTCTGGAGCTGTACAAGGTTGTGCAGGGGCACCGACA[G>C]CTTGACTCCTACAAGAATGGTTTCCTCAACTTGGCCCTGCCTTTCTTTGGTTTCTCTGAA-3'
Protein context (NP_003325.2, residues 908-928): ELYKVVQGHR[Gln918His]LDSYKNGFLN

ClinVar aggregate classification (germline): Uncertain significance (1 of 4 stars; one submission).

Conditions:
Infantile-onset X-linked spinal muscular atrophy. Also called: AMC, DISTAL, X-LINKED; ARTHROGRYPOSIS, X-LINKED, TYPE I; Spinal muscular atrophy, X-linked 2; Spinal Muscular Atrophy, X-Linked Infantile; SPINAL MUSCULAR ATROPHY, X-LINKED LETHAL INFANTILE. Identifiers: Orphanet 1145, MedGen C1844934, MONDO:0010532, OMIM 301830.

Allele frequency attached by ClinVar (database versions not stated): gnomAD exomes 0.00001; ExAC 0.00002.
gnomAD v4.1: 7 of 1,212,069 alleles (0.00058%); highest among the groups gnomAD compares: Non-Finnish European, 0.00067%; no homozygotes.

Submission:

Labcorp Genetics (formerly Invitae), Labcorp
Classification: Uncertain significance for Infantile-onset X-linked spinal muscular atrophy. Last evaluated: 2021-07-03. Review status: criteria provided, single submitter. Criteria: Invitae Variant Classification Sherloc (09022015). Collection method: clinical testing. Allele origin: germline.
Comment: In summary, the available evidence is currently insufficient to determine the role of this variant in disease. Therefore, it has been classified as a Variant of Uncertain Significance. Algorithms developed to predict the effect of missense changes on protein structure and function output the following: SIFT: "Tolerated"; PolyPhen-2: "Benign"; Align-GVGD: "Class C0". The histidine amino acid residue is found in multiple mammalian species, which suggests that this missense change does not adversely affect protein function. This variant has not been reported in the literature in individuals affected with UBA1-related conditions. This variant is present in population databases (rs782576505, ExAC 0.004%). This sequence change replaces glutamine with histidine at codon 918 of the UBA1 protein (p.Gln918His). The glutamine residue is moderately conserved and there is a small physicochemical difference between glutamine and histidine.